The following is an entry in ClinVar:

ClinVar aggregate classification (germline): Uncertain significance. Review status: criteria provided, multiple submitters, no conflicts (2 of 4 stars). 2 submissions from 2 submitters: Uncertain significance (2). Last evaluated 2024-03-29.

Conditions:
Brugada syndrome 5 (BRGDA5). Identifiers: Orphanet 130, Orphanet 871, MedGen C2748541, MONDO:0013015, OMIM 612838.
Generalized epilepsy with febrile seizures plus, type 1 (GEFSP1). Also called: GEFS+, TYPE 1. Identifiers: Orphanet 36387, MedGen C1858672, MONDO:0011416, OMIM 604233.
Atrial fibrillation, familial, 13 (ATFB13). Identifiers: MedGen C3809311, MONDO:0014155, OMIM 615377.
Developmental and epileptic encephalopathy, 52 (DEE52). Also called: Epileptic encephalopathy, early infantile, 52. Identifiers: MedGen C4479236, MONDO:0033361, OMIM 617350.

Allele frequency attached by ClinVar (database versions not stated): gnomAD exomes below 0.00001; gnomAD 0.00001; TOPMed 0.00001; ExAC 0.00001.
gnomAD v4.1: 3 of 1,613,872 alleles (0.00019%); highest among the groups gnomAD compares: South Asian, 0.0011%; no homozygotes.

Submissions (2):

Labcorp Genetics (formerly Invitae), Labcorp
Classification: Uncertain significance for Brugada syndrome 5. Last evaluated: 2024-03-29. Review status: criteria provided, single submitter. Criteria: Invitae Variant Classification Sherloc (09022015). Collection method: clinical testing. Allele origin: germline.
Comment: This sequence change replaces serine, which is neutral and polar, with leucine, which is neutral and non-polar, at codon 26 of the SCN1B protein (p.Ser26Leu). This variant is present in population databases (rs768653839, gnomAD 0.003%). This missense change has been observed in individual(s) with clinical features of autosomal recessive SCN1B-related conditions (PMID: 32593896). An algorithm developed to predict the effect of missense changes on protein structure and function (PolyPhen-2) suggests that this variant is likely to be disruptive. In summary, the available evidence is currently insufficient to determine the role of this variant in disease. Therefore, it has been classified as a Variant of Uncertain Significance.

Juno Genomics, Hangzhou Juno Genomics, Inc
Classification: Uncertain significance for Atrial fibrillation, familial, 13; Brugada syndrome 5; Developmental and epileptic encephalopathy, 52; Generalized epilepsy with febrile seizures plus, type 1. Review status: criteria provided, single submitter. Criteria: ACMG Guidelines, 2015. Collection method: clinical testing. Allele origin: germline. Affected: yes.
Comment: Absent from controls (or at extremely low frequency if recessive) in Genome Aggregation Database, Exome Sequencing Project, 1000 Genomes Project, or Exome Aggregation Consortium.;Multiple lines of computational evidence support a deleterious effect on the gene or gene product (conservation, evolutionary, splicing impact, etc).

Literature cited by the submitters: PubMed 32593896 (cited by Labcorp Genetics (formerly Invitae), Labcorp).

NM_001037.5(SCN1B):c.77C>T (p.Ser26Leu)

Gene: SCN1B (sodium voltage-gated channel beta subunit 1; plus strand). Cytogenetic location: 19q13.11.
Variant type: single nucleotide variant.
Coding change: c.77C>T on transcript NM_001037.5 (MANE Select); coding-DNA position 77, C replaced by T.
Protein change: p.Ser26Leu; replaces serine 26 with leucine.
Molecular consequence: missense variant. On other transcripts: 5 prime UTR variant (1).
Genome position (GRCh38, 1-based): chr19:35,032,564, C>T. VCF-style: chr19-35032564-C-T. GRCh37 (hg19) VCF-style: chr19-35523468-C-T.
Other names: c.-23C>T (NM_001321605.2); c.77C>T, p.Ser26Leu (NM_199037.5); short protein forms S26L.
Identifiers: ClinVar variation 3019895 (VCV003019895.5), dbSNP rs768653839, ClinGen allele CA9371951.
Genomic context (GRCh38, chr19:35,032,564, plus strand): 5'-GACCTGAGCCTGCTGTCCCCACAGTGTCCTCAGCCTGCGGGGGCTGCGTGGAGGTGGACT[C>T]GGAGACCGAGGCCGTGTATGGGATGACCTTCAAAATTCTTTGCATCTCCTGCAAGCGCCG-3'
Protein context (NP_001028.1, residues 16-36): SACGGCVEVD[Ser26Leu]ETEAVYGMTF